The following is an entry in ClinVar:

NM_002528.7(NTHL1):c.207G>T (p.Glu69Asp)

Gene: NTHL1 (nth like DNA glycosylase 1; minus strand). Cytogenetic location: 16p13.3.
Variant type: single nucleotide variant.
Coding change: c.207G>T on transcript NM_002528.7 (MANE Select); coding-DNA position 207, G replaced by T.
Protein change: p.Glu69Asp; replaces glutamic acid 69 with aspartic acid.
Molecular consequence: missense variant. On other transcripts: intron variant (1).
Genome position (GRCh38, 1-based): chr16:2,046,275, C>A on the plus strand (G>T on the coding strand, the complement: NTHL1 is on the minus strand). VCF-style: chr16-2046275-C-A. GRCh37 (hg19) VCF-style: chr16-2096276-C-A.
Other names: c.207G>T, p.Glu69Asp (NM_001318193.2); c.24+5G>T (NM_001318194.2); short protein forms E69D.
Identifiers: ClinVar variation 4662379 (VCV004662379.1).

ClinVar aggregate classification (germline): Uncertain significance (1 of 4 stars; one submission).

Conditions:
Hereditary cancer-predisposing syndrome. Also called: Neoplastic Syndromes, Hereditary; Tumor predisposition; Hereditary Cancer Syndrome; Hereditary neoplastic syndrome. Identifiers: Orphanet 140162, MedGen C0027672, MeSH D009386, MONDO:0015356.

Submission:

Ambry Genetics
Classification: Uncertain significance for Hereditary cancer-predisposing syndrome. Last evaluated: 2025-11-24. Review status: criteria provided, single submitter. Criteria: Ambry Variant Classification Scheme 2023. Collection method: clinical testing. Allele origin: germline.
Comment: The p.E77D variant (also known as c.231G>T), located in coding exon 2 of the NTHL1 gene, results from a G to T substitution at nucleotide position 231. The glutamic acid at codon 77 is replaced by aspartic acid, an amino acid with highly similar properties. This amino acid position is conserved. In addition, this alteration is predicted to be tolerated by in silico analysis. Based on the available evidence, the clinical significance of this variant remains unclear.